The following is an entry in ClinVar:

ClinVar aggregate classification (germline): Benign/Likely benign. Review status: criteria provided, multiple submitters, no conflicts (2 of 4 stars). 9 submissions from 9 submitters: Benign (6); Likely benign (1). 2 of the submissions do not count toward it. Last evaluated 2026-03-03.

Conditions:
Cystinuria (CSNU). Also called: Cystinuria, non-type I; CYSTINURIA, TYPE I; CYSTINURIA, TYPE II; CYSTINURIA, TYPE III. Identifiers: Orphanet 214, MedGen C0010691, MONDO:0009067, OMIM 220100, HP:0003131.

Allele frequency attached by ClinVar (database versions not stated): gnomAD exomes 0.30593 and 0.33269; 1000 Genomes Project 0.30611; 1000 Genomes Project 30x 0.30746; ExAC 0.30983; TOPMed 0.33381; gnomAD 0.34017 and 0.34607; ESP Exome Variant Server 0.35714.
gnomAD v4.1: 538,487 of 1,613,996 alleles (33%); highest among the groups gnomAD compares: African/African-American, 38%; 91,720 homozygotes.

Submissions (9):

Women's Health and Genetics/Laboratory Corporation of America, LabCorp
Classification: Likely benign. Last evaluated: 2026-03-03. Review status: criteria provided, single submitter. Criteria: LabCorp Variant Classification Summary - May 2015. Collection method: clinical testing. Allele origin: germline.

Labcorp Genetics (formerly Invitae), Labcorp
Classification: Benign. Last evaluated: 2026-02-04. Review status: criteria provided, single submitter. Criteria: Invitae Variant Classification Sherloc (09022015). Collection method: clinical testing. Allele origin: germline.

Blueprint Genetics
Classification: Benign. Last evaluated: 2024-11-28. Review status: criteria provided, single submitter. Criteria: ACMG Guidelines, 2015. Collection method: clinical testing. Allele origin: germline.

Mayo Clinic Laboratories, Mayo Clinic
Classification: Benign. Last evaluated: 2022-03-09. Review status: criteria provided, single submitter. Criteria: ACMG Guidelines, 2015. Collection method: clinical testing. Allele origin: germline. Observed: 111 variant alleles.

GeneDx
Classification: Benign. Last evaluated: 2019-04-03. Review status: criteria provided, single submitter. Criteria: GeneDx Variant Classification Process June 2021. Collection method: clinical testing. Allele origin: germline. Affected: yes.

Illumina Laboratory Services, Illumina
Classification: Benign for Cystinuria. Last evaluated: 2018-01-13. Review status: criteria provided, single submitter. Criteria: ICSL Variant Classification Criteria 13 December 2019. Collection method: clinical testing. Allele origin: germline.
Comment: This variant was observed in the ICSL laboratory as part of a predisposition screen in an ostensibly healthy population. It had not been previously curated by ICSL or reported in the Human Gene Mutation Database (HGMD: prior to June 1st, 2018), and was therefore a candidate for classification through an automated scoring system. Utilizing variant allele frequency, disease prevalence and penetrance estimates, and inheritance mode, an automated score was calculated to assess if this variant is too frequent to cause the disease. Based on the score and internal cut-off values, a variant classified as benign is not then subjected to further curation. The score for this variant resulted in a classification of benign for this disease.

Breakthrough Genomics
Classification: Benign. Review status: criteria provided, single submitter. Criteria: ACMG Guidelines, 2015. Collection method: not provided. Allele origin: germline. Inheritance: Autosomal dominant inheritance. Affected: yes.

Diagnostic Laboratory, Department of Genetics, University Medical Center Groningen
Classification: Benign. Review status: no assertion criteria provided. Collection method: clinical testing. Allele origin: germline. Affected: yes. Study: VKGL Data-share Consensus. Not counted in ClinVar's aggregate classification.

Joint Genome Diagnostic Labs from Nijmegen and Maastricht, Radboudumc and MUMC+
Classification: Benign. Review status: no assertion criteria provided. Collection method: clinical testing. Allele origin: germline. Affected: yes. Study: VKGL Data-share Consensus. Not counted in ClinVar's aggregate classification.

NM_014270.5(SLC7A9):c.425T>C (p.Val142Ala)

Gene: SLC7A9 (solute carrier family 7 member 9; minus strand). Cytogenetic location: 19q13.11.
Variant type: single nucleotide variant.
Coding change: c.425T>C on transcript NM_014270.5 (MANE Select); coding-DNA position 425, T replaced by C.
Protein change: p.Val142Ala; replaces valine 142 with alanine.
Molecular consequence: missense variant.
Genome position (GRCh38, 1-based): chr19:32,864,149, A>G on the plus strand (T>C on the coding strand, the complement: SLC7A9 is on the minus strand). VCF-style: chr19-32864149-A-G. GRCh37 (hg19) VCF-style: chr19-33355055-A-G.
Other names: c.425T>C, p.Val142Ala (NM_001243036.2, NM_001126335.2); short protein forms V142A.
Identifiers: ClinVar variation 328761 (VCV000328761.25), dbSNP rs12150889, ClinGen allele CA9358843.
Genomic context (GRCh38, chr19:32,864,149, plus strand): 5'-TACTCACAGATGGCGGCGGCGGCCAGGCATTTCACAACGATTTGAGGAGGCTTGCAGCCC[A>G]CATAGAAGGGCGCACACACATACTCGGAGAAGCTGAGGCAGATGATGGCGAAGGACGTGG-3'
Protein context (NP_055085.1, residues 132-152): FSEYVCAPFY[Val142Ala]GCKPPQIVVK